The following is an entry in ClinVar:

ClinVar aggregate classification (germline): Uncertain significance. Review status: criteria provided, multiple submitters, no conflicts (2 of 4 stars). 2 submissions from 2 submitters: Uncertain significance (2). Last evaluated 2025-09-02.

Allele frequency attached by ClinVar (database versions not stated): gnomAD exomes 0.00001; TOPMed 0.00002; ExAC 0.00003.
gnomAD v4.1: 7 of 1,595,360 alleles (0.00044%); highest among the groups gnomAD compares: South Asian, 0.0057%; no homozygotes.

Submissions (2):

Labcorp Genetics (formerly Invitae), Labcorp
Classification: Uncertain significance. Last evaluated: 2025-09-02. Review status: criteria provided, single submitter. Criteria: Invitae Variant Classification Sherloc (09022015). Collection method: clinical testing. Allele origin: germline.
Comment: This sequence change replaces valine, which is neutral and non-polar, with methionine, which is neutral and non-polar, at codon 411 of the IFT88 protein (p.Val411Met). This variant is present in population databases (rs774865616, gnomAD 0.01%). This variant has not been reported in the literature in individuals affected with IFT88-related conditions. ClinVar contains an entry for this variant (Variation ID: 2357793). Experimental studies and prediction algorithms are not available or were not evaluated, and the functional significance of this variant is currently unknown. In summary, the available evidence is currently insufficient to determine the role of this variant in disease. Therefore, it has been classified as a Variant of Uncertain Significance.

Ambry Genetics
Classification: Uncertain significance. Last evaluated: 2022-11-08. Review status: criteria provided, single submitter. Criteria: Ambry Variant Classification Scheme 2023. Collection method: clinical testing. Allele origin: germline.

NM_006531.5(IFT88):c.1204G>A (p.Val402Met)

Gene: IFT88 (intraflagellar transport 88; plus strand). Cytogenetic location: 13q12.11.
Variant type: single nucleotide variant.
Coding change: c.1204G>A on transcript NM_006531.5 (MANE Select); coding-DNA position 1204, G replaced by A.
Protein change: p.Val402Met; replaces valine 402 with methionine.
Molecular consequence: missense variant. On other transcripts: non-coding transcript variant (5).
Genome position (GRCh38, 1-based): chr13:20,625,754, G>A. VCF-style: chr13-20625754-G-A. GRCh37 (hg19) VCF-style: chr13-21199893-G-A.
Other names: c.1147G>A, p.Val383Met (NM_001318491.2, NM_001353575.2); c.1231G>A, p.Val411Met (NM_001318493.2, NM_001353565.2, NM_001353566.2 and 2 more transcripts); c.1204G>A, p.Val402Met (NM_001353568.2, NM_001353572.2); c.1129G>A, p.Val377Met (NM_001353569.2, NM_001353570.2, NM_001353576.2 and 1 more transcripts); c.1102G>A, p.Val368Met (NM_001353571.2, NM_001353578.2); c.1060G>A, p.Val354Met (NM_001353573.2); c.1045G>A, p.Val349Met (NM_001353574.2); c.571G>A, p.Val191Met (NM_001353579.2); short protein forms V191M, V354M, V368M, V377M, V402M, V411M, V349M, V383M.
Identifiers: ClinVar variation 2357793 (VCV002357793.3), dbSNP rs774865616, ClinGen allele CA6905337.
Genomic context (GRCh38, chr13:20,625,754, plus strand): 5'-CAGCATCAATATACTAAAACAAAATCAAGTAAGGTTTTTTATGCTTTCCCTTATAGGTGC[G>A]TGGAAGTGGTGAAAGCTTCTCAATATGTAGAGCTAGCCAATGATCTGGAAATAAACAAAG-3'
Protein context (NP_006522.2, residues 392-412): TSFAAGYDWC[Val402Met]EVVKASQYVE